The following is an entry in ClinVar:

NM_001277115.2(DNAH11):c.11272T>C (p.Ser3758Pro)

Gene: DNAH11 (dynein axonemal heavy chain 11; plus strand). Cytogenetic location: 7p15.3.
Variant type: single nucleotide variant.
Coding change: c.11272T>C on transcript NM_001277115.2 (MANE Select); coding-DNA position 11272, T replaced by C.
Protein change: p.Ser3758Pro; replaces serine 3758 with proline.
Molecular consequence: missense variant.
Genome position (GRCh38, 1-based): chr7:21,861,922, T>C. VCF-style: chr7-21861922-T-C. GRCh37 (hg19) VCF-style: chr7-21901540-T-C.
Other names: short protein forms S3758P.
Identifiers: ClinVar variation 163125 (VCV000163125.27), dbSNP rs17145720, ClinGen allele CA175755.

ClinVar aggregate classification (germline): Benign/Likely benign. Review status: criteria provided, multiple submitters, no conflicts (2 of 4 stars). 9 submissions from 9 submitters: Benign (5); Likely benign (2). 2 of the submissions do not count toward it. Last evaluated 2026-02-04.

Conditions:
Primary ciliary dyskinesia. Also called: Ciliary dyskinesia. Identifiers: Orphanet 244, MedGen C0008780, MONDO:0016575, HP:0012265.

Allele frequency attached by ClinVar (database versions not stated): gnomAD exomes 0.03288 and 0.03926; ExAC 0.04167; gnomAD 0.08121 and 0.08574; 1000 Genomes Project 0.08446; ESP Exome Variant Server 0.08525; 1000 Genomes Project 30x 0.08869; TOPMed 0.08947.
gnomAD v4.1: 61,022 of 1,613,584 alleles (3.8%); highest among the groups gnomAD compares: African/African-American, 22%; 2,572 homozygotes.

Submissions (9):

Labcorp Genetics (formerly Invitae), Labcorp
Classification: Benign for Primary ciliary dyskinesia. Last evaluated: 2026-02-04. Review status: criteria provided, single submitter. Criteria: Invitae Variant Classification Sherloc (09022015). Collection method: clinical testing. Allele origin: germline.

Blueprint Genetics
Classification: Likely benign. Last evaluated: 2024-11-27. Review status: criteria provided, single submitter. Criteria: ACMG Guidelines, 2015. Collection method: clinical testing. Allele origin: germline.

Mayo Clinic Laboratories, Mayo Clinic
Classification: Benign. Last evaluated: 2023-03-24. Review status: criteria provided, single submitter. Criteria: ACMG Guidelines, 2015. Collection method: clinical testing. Allele origin: germline. Observed: 16 variant alleles.

GeneDx
Classification: Benign. Last evaluated: 2018-12-17. Review status: criteria provided, single submitter. Criteria: GeneDx Variant Classification Process June 2021. Collection method: clinical testing. Allele origin: germline. Affected: yes.

Laboratory for Molecular Medicine, Mass General Brigham Personalized Medicine
Classification: Benign. Last evaluated: 2013-02-21. Review status: criteria provided, single submitter. Criteria: LMM Criteria. Collection method: clinical testing. Allele origin: germline. Observed: 7 variant alleles.
Comment: Ser3758Pro in exon 69 of DNAH11: This variant is not expected to have clinical s ignificance because it has been identified in 20.2% (833/4116) of African Americ an chromosomes from a broad population by the NHLBI Exome Sequencing Project (dbSNP rs17145720).

Breakthrough Genomics
Classification: Likely benign. Review status: criteria provided, single submitter. Criteria: ACMG Guidelines, 2015. Collection method: not provided. Allele origin: germline. Inheritance: Autosomal recessive inheritance. Affected: yes.

PreventionGenetics, part of Exact Sciences
Classification: Benign. Review status: criteria provided, single submitter. Criteria: ACMG Guidelines, 2015. Collection method: clinical testing. Allele origin: germline.

Clinical Genetics DNA and cytogenetics Diagnostics Lab, Erasmus MC, Erasmus Medical Center
Classification: Benign. Review status: no assertion criteria provided. Collection method: clinical testing. Allele origin: germline. Affected: yes. Study: VKGL Data-share Consensus. Not counted in ClinVar's aggregate classification.

Laboratory of Diagnostic Genome Analysis, Leiden University Medical Center (LUMC)
Classification: Likely benign. Review status: no assertion criteria provided. Collection method: clinical testing. Allele origin: germline. Affected: yes. Study: VKGL Data-share Consensus. Not counted in ClinVar's aggregate classification.